The following is an entry in ClinVar:

ClinVar aggregate classification (germline): Likely pathogenic. Review status: reviewed by expert panel (3 of 4 stars). 2 submissions from 2 submitters: Likely pathogenic (1). 1 of the submissions does not count toward it. Last evaluated 2026-10-05.

Conditions:
Hereditary thrombocytopenia and hematologic cancer predisposition syndrome. Identifiers: Orphanet 71290, MedGen CN281654, MONDO:0011071.

gnomAD v4.1: 1 of 1,569,812 alleles (0.000064%); highest among the groups gnomAD compares: Non-Finnish European, 0.000086%; no homozygotes.

Submissions (2):

ClinGen Myeloid Malignancy Variant Curation Expert Panel
Classification: Likely pathogenic for Hereditary thrombocytopenia and hematologic cancer predisposition syndrome. Last evaluated: 2026-10-05. Review status: reviewed by expert panel. Criteria: ClinGen MyeloMalig ACMG Specifications V3.1. Collection method: curation. Allele origin: germline. Inheritance: Autosomal dominant inheritance.
Comment: NM_001754.4:c.1163C>A (p.Ser388Ter) is a nonsense variant which is not predicted to undergo NMD (PVS1_Strong). This variant is completely absent from all population databases with at least 20x coverage for RUNX1 (PM2_Supporting). This variant has been reported in one proband meeting at least one of the RUNX1-phenotypic criteria (PS4_Supporting; PMID: 20846103). Transactivation assays demonstrated enhanced transactivation (>115% of wt) (PS3_Supporting; PMID: 20846103). In summary, this variant meets criteria to be classified as likely pathogenic. ACMG/AMP criteria applied, as specified by the Myeloid Malignancy Variant Curation Expert Panel for RUNX1: PVS1_Strong, PM2_Supporting, PS3_Supporting, PS4_Supporting.

PreventionGenetics, part of Exact Sciences
Classification: Likely pathogenic. Last evaluated: 2018-01-24. Review status: criteria provided, single submitter. Criteria: ACMG Guidelines, 2015. Collection method: clinical testing. Allele origin: germline. Not counted in ClinVar's aggregate classification.

Literature cited by the submitters: PubMed 20846103 (cited by ClinGen Myeloid Malignancy Variant Curation Expert Panel).

NM_001754.5(RUNX1):c.1163C>A (p.Ser388Ter)

Gene: RUNX1 (RUNX family transcription factor 1; minus strand). Cytogenetic location: 21q22.12.
Variant type: single nucleotide variant.
Coding change: c.1163C>A on transcript NM_001754.5 (MANE Select); coding-DNA position 1163, C replaced by A.
Protein change: p.Ser388Ter; replaces serine 388 with a stop codon.
Molecular consequence: nonsense.
Genome position (GRCh38, 1-based): chr21:34,792,415, G>T on the plus strand (C>A on the coding strand, the complement: RUNX1 is on the minus strand). VCF-style: chr21-34792415-G-T. GRCh37 (hg19) VCF-style: chr21-36164712-G-T.
Other names: NM_001754.4(RUNX1):c.1163C>A; c.1082C>A, p.Ser361Ter (NM_001001890.3); short protein forms S388*, S361*.
Identifiers: ClinVar variation 561222 (VCV000561222.5), dbSNP rs1569002296, ClinGen allele CA410147908.